The following is an entry in ClinVar:

NM_000136.3(FANCC):c.514C>G (p.Gln172Glu)

Gene: FANCC (FA complementation group C; minus strand). Cytogenetic location: 9q22.32.
Variant type: single nucleotide variant.
Coding change: c.514C>G on transcript NM_000136.3 (MANE Select); coding-DNA position 514, C replaced by G.
Protein change: p.Gln172Glu; replaces glutamine 172 with glutamic acid.
Molecular consequence: missense variant.
Genome position (GRCh38, 1-based): chr9:95,171,086, G>C on the plus strand (C>G on the coding strand, the complement: FANCC is on the minus strand). VCF-style: chr9-95171086-G-C. GRCh37 (hg19) VCF-style: chr9-97933368-G-C.
Other names: c.514C>G, p.Gln172Glu (NM_001243743.2, NM_001243744.2); short protein forms Q172E.
Identifiers: ClinVar variation 1499397 (VCV001499397.8), dbSNP rs769998628, ClinGen allele CA5137716.

ClinVar aggregate classification (germline): Uncertain significance. Review status: criteria provided, multiple submitters, no conflicts (2 of 4 stars). 2 submissions from 2 submitters: Uncertain significance (2). Last evaluated 2025-06-06.

Conditions:
Hereditary cancer-predisposing syndrome. Also called: Tumor predisposition; Hereditary neoplastic syndrome; Neoplastic Syndromes, Hereditary; Hereditary Cancer Syndrome. Identifiers: Orphanet 140162, MedGen C0027672, MeSH D009386, MONDO:0015356.
Fanconi anemia (FA). Also called: Fanconi's anemia. Identifiers: Orphanet 84, MedGen C0015625, MeSH D005199, MONDO:0019391.

Allele frequency attached by ClinVar (database versions not stated): ExAC 0.00001; gnomAD exomes below 0.00001.
gnomAD v4.1: 1 of 1,611,476 alleles (0.000062%); highest among the groups gnomAD compares: Non-Finnish European, 0.000085%; no homozygotes.

Submissions (2):

Ambry Genetics
Classification: Uncertain significance for Hereditary cancer-predisposing syndrome. Last evaluated: 2025-06-06. Review status: criteria provided, single submitter. Criteria: Ambry Variant Classification Scheme 2023. Collection method: clinical testing. Allele origin: germline.
Comment: The p.Q172E variant (also known as c.514C>G), located in coding exon 5 of the FANCC gene, results from a C to G substitution at nucleotide position 514. The glutamine at codon 172 is replaced by glutamic acid, an amino acid with highly similar properties. This amino acid position is highly conserved in available vertebrate species. In addition, this alteration is predicted to be tolerated by in silico analysis. Since supporting evidence is limited at this time, the clinical significance of this alteration remains unclear.

Labcorp Genetics (formerly Invitae), Labcorp
Classification: Uncertain significance for Fanconi anemia. Last evaluated: 2021-09-01. Review status: criteria provided, single submitter. Criteria: Invitae Variant Classification Sherloc (09022015). Collection method: clinical testing. Allele origin: germline.
Comment: This sequence change replaces glutamine with glutamic acid at codon 172 of the FANCC protein (p.Gln172Glu). The glutamine residue is moderately conserved and there is a small physicochemical difference between glutamine and glutamic acid. This variant is present in population databases (rs769998628, ExAC 0.002%). This variant has not been reported in the literature in individuals affected with FANCC-related conditions. Algorithms developed to predict the effect of missense changes on protein structure and function are either unavailable or do not agree on the potential impact of this missense change (SIFT: "Tolerated"; PolyPhen-2: "Possibly Damaging"; Align-GVGD: "Class C0"). In summary, the available evidence is currently insufficient to determine the role of this variant in disease. Therefore, it has been classified as a Variant of Uncertain Significance.